The following is an entry in ClinVar:

NM_025179.4(PLXNA2):c.2622G>A (p.Thr874=)

Gene: PLXNA2 (plexin A2; minus strand). Cytogenetic location: 1q32.2.
Variant type: single nucleotide variant.
Coding change: c.2622G>A on transcript NM_025179.4 (MANE Select); coding-DNA position 2622, G replaced by A.
Protein change: p.Thr874=; no amino-acid change (threonine 874 retained).
Molecular consequence: synonymous variant.
Genome position (GRCh38, 1-based): chr1:208,060,802, C>T on the plus strand (G>A on the coding strand, the complement: PLXNA2 is on the minus strand). VCF-style: chr1-208060802-C-T. GRCh37 (hg19) VCF-style: chr1-208234147-C-T.
Identifiers: ClinVar variation 769549 (VCV000769549.11), dbSNP rs755046855, ClinGen allele CA1373449.

ClinVar aggregate classification (germline): Likely benign. Review status: criteria provided, single submitter (1 of 4 stars). 2 submissions from 2 submitters: Likely benign (1). 1 of the submissions does not count toward it. Last evaluated 2025-05-11.

Conditions:
PLXNA2-related disorder. Also called: PLXNA2-related condition.

Allele frequency attached by ClinVar (database versions not stated): gnomAD 0.00003; TOPMed 0.00028; 1000 Genomes Project 30x 0.00047.
gnomAD v4.1: 210 of 1,614,084 alleles (0.013%); highest among the groups gnomAD compares: Admixed American, 0.065%; 1 homozygote.

Submissions (2):

Labcorp Genetics (formerly Invitae), Labcorp
Classification: Likely benign. Last evaluated: 2025-05-11. Review status: criteria provided, single submitter. Criteria: Invitae Variant Classification Sherloc (09022015). Collection method: clinical testing. Allele origin: germline.

PreventionGenetics, part of Exact Sciences
Classification: Likely benign for PLXNA2-related condition. Last evaluated: 2021-06-02. Review status: no assertion criteria provided. Collection method: clinical testing. Allele origin: germline. Not counted in ClinVar's aggregate classification.
Comment: This variant is classified as likely benign based on ACMG/AMP sequence variant interpretation guidelines (Richards et al. 2015 PMID: 25741868, with internal and published modifications).